The following is an entry in ClinVar:

NM_000444.6(PHEX):c.1600C>A (p.Pro534Thr)

Gene: PHEX (phosphate regulating endopeptidase X-linked; plus strand). Cytogenetic location: Xp22.11.
Variant type: single nucleotide variant.
Coding change: c.1600C>A on transcript NM_000444.6 (MANE Select); coding-DNA position 1600, C replaced by A.
Protein change: p.Pro534Thr; replaces proline 534 with threonine.
Molecular consequence: missense variant.
Genome position (GRCh38, 1-based): chrX:22,190,457, C>A. VCF-style: chrX-22190457-C-A. GRCh37 (hg19) VCF-style: chrX-22208574-C-A.
Other names: c.1600C>A, p.Pro534Thr (NM_001282754.2); short protein forms P534T.
Identifiers: ClinVar variation 1067659 (VCV001067659.9), dbSNP rs2147139052, ClinGen allele CA412575051.
Genomic context (GRCh38, chrX:22,190,457, plus strand): 5'-CCTGTATAATGATGATTGCTCTCTGGCATTTGTTTCTTTTTCTACAGGTGGTTTACAAAT[C>A]CGACGACTGTCAATGCCTTCTACAGTGCATCCACCAACCAGATCCGTGAGTACGGGTTCC-3'
Protein context (NP_000435.3, residues 524-544): AVPKTEWFTN[Pro534Thr]TTVNAFYSAS

ClinVar aggregate classification (germline): Pathogenic (1 of 4 stars; one submission).

Submission:

Labcorp Genetics (formerly Invitae), Labcorp
Classification: Pathogenic. Last evaluated: 2022-01-07. Review status: criteria provided, single submitter. Criteria: Invitae Variant Classification Sherloc (09022015). Collection method: clinical testing. Allele origin: germline.
Comment: This sequence change replaces proline, which is neutral and non-polar, with threonine, which is neutral and polar, at codon 534 of the PHEX protein (p.Pro534Thr). For these reasons, this variant has been classified as Pathogenic. This variant disrupts the p.Pro534 amino acid residue in PHEX. Other variant(s) that disrupt this residue have been determined to be pathogenic (PMID: 18162710, 19219621, 29460029, 29505567). This suggests that this residue is clinically significant, and that variants that disrupt this residue are likely to be disease-causing. Advanced modeling of protein sequence and biophysical properties (such as structural, functional, and spatial information, amino acid conservation, physicochemical variation, residue mobility, and thermodynamic stability) performed at Invitae indicates that this missense variant is expected to disrupt PHEX protein function. ClinVar contains an entry for this variant (Variation ID: 1067659). This missense change has been observed in individual(s) with hypophosphatemic rickets (PMID: 22577109). This variant is not present in population databases (gnomAD no frequency).

Literature cited by the submitters: PubMed 18162710; PubMed 19219621; PubMed 29460029; PubMed 29505567; PubMed 22577109.